The following is an entry in ClinVar:

NM_001244926.2(PRPF4):c.1445C>T (p.Ser482Phe)

Gene: PRPF4 (pre-mRNA splicing tri-snRNP complex factor PRPF4; plus strand). Cytogenetic location: 9q32.
Variant type: single nucleotide variant.
Coding change: c.1445C>T on transcript NM_001244926.2 (MANE Select); coding-DNA position 1445, C replaced by T.
Protein change: p.Ser482Phe; replaces serine 482 with phenylalanine.
Molecular consequence: missense variant. On other transcripts: non-coding transcript variant (2).
Genome position (GRCh38, 1-based): chr9:113,291,539, C>T. VCF-style: chr9-113291539-C-T. GRCh37 (hg19) VCF-style: chr9-116053819-C-T.
Other names: c.719C>T, p.Ser240Phe (NM_001322266.2, NM_001322267.2); c.1448C>T, p.Ser483Phe (NM_004697.5); short protein forms S483F, S482F, S240F.
Identifiers: ClinVar variation 1399621 (VCV001399621.8), dbSNP rs2118652414, ClinGen allele CA374556230.

ClinVar aggregate classification (germline): Uncertain significance (1 of 4 stars; one submission).

Submission:

Labcorp Genetics (formerly Invitae), Labcorp
Classification: Uncertain significance. Last evaluated: 2022-02-05. Review status: criteria provided, single submitter. Criteria: Invitae Variant Classification Sherloc (09022015). Collection method: clinical testing. Allele origin: germline.
Comment: In summary, the available evidence is currently insufficient to determine the role of this variant in disease. Therefore, it has been classified as a Variant of Uncertain Significance. Algorithms developed to predict the effect of missense changes on protein structure and function (SIFT, PolyPhen-2, Align-GVGD) all suggest that this variant is likely to be tolerated. This variant has not been reported in the literature in individuals affected with PRPF4-related conditions. This variant is not present in population databases (gnomAD no frequency). This sequence change replaces serine, which is neutral and polar, with phenylalanine, which is neutral and non-polar, at codon 483 of the PRPF4 protein (p.Ser483Phe).